The following is an entry in ClinVar:

ClinVar aggregate classification (germline): Conflicting classifications of pathogenicity. Review status: criteria provided, conflicting classifications (1 of 4 stars). 3 submissions from 3 submitters: Likely pathogenic (2); Uncertain significance (1). Last evaluated 2025-12-02.

Conditions:
Hereditary cancer-predisposing syndrome. Also called: Hereditary neoplastic syndrome; Neoplastic Syndromes, Hereditary; Tumor predisposition; Hereditary Cancer Syndrome. Identifiers: Orphanet 140162, MedGen C0027672, MeSH D009386, MONDO:0015356.
Cardiovascular phenotype. Identifiers: MedGen CN230736.
Neurofibromatosis, type 1 (NF1). Also called: Neurofibromatosis, type I; VON RECKLINGHAUSEN DISEASE; NEUROFIBROMATOSIS, TYPE I, SOMATIC; Peripheral type neurofibromatosis. Identifiers: Orphanet 636, MedGen C0027831, MONDO:0018975, OMIM 162200. Disease mechanism: loss of function.

Submissions (3):

Labcorp Genetics (formerly Invitae), Labcorp
Classification: Uncertain significance for Neurofibromatosis, type 1. Last evaluated: 2025-12-02. Review status: criteria provided, single submitter. Criteria: Invitae Variant Classification Sherloc (09022015). Collection method: clinical testing. Allele origin: germline.
Comment: This sequence change replaces alanine, which is neutral and non-polar, with valine, which is neutral and non-polar, at codon 1071 of the NF1 protein (p.Ala1071Val). This variant is not present in population databases (gnomAD no frequency). This variant has not been reported in the literature in individuals affected with NF1-related conditions. ClinVar contains an entry for this variant (Variation ID: 1216904). Invitae Evidence Modeling of protein sequence and biophysical properties (such as structural, functional, and spatial information, amino acid conservation, physicochemical variation, residue mobility, and thermodynamic stability) indicates that this missense variant is expected to disrupt NF1 protein function with a positive predictive value of 95%. Algorithms developed to predict the effect of sequence changes on RNA splicing suggest that this variant may create or strengthen a splice site. This variant disrupts the p.Ala1071 amino acid residue in NF1. Other variant(s) that disrupt this residue have been determined to be pathogenic (PMID: 24789688, 26056819; internal data). This suggests that this residue is clinically significant, and that variants that disrupt this residue are likely to be disease-causing. In summary, the available evidence is currently insufficient to determine the role of this variant in disease. Therefore, it has been classified as a Variant of Uncertain Significance.

Ambry Genetics
Classification: Likely pathogenic for Cardiovascular phenotype; Hereditary cancer-predisposing syndrome. Last evaluated: 2024-11-20. Review status: criteria provided, single submitter. Criteria: Ambry Variant Classification Scheme 2023. Collection method: clinical testing. Allele origin: germline.
Comment: The c.3212C>T variant (also known as p.A1071V), located in coding exon 25 of the NF1 gene, results from a C to T substitution at nucleotide position 3212. This nucleotide position is highly conserved in available vertebrate species. This variant was reported in an individual with features consistent with Neurofibromatosis type 1 (External communication). In silico splice site analysis predicts that this alteration will result in the creation or strengthening of a novel splice donor site. RNA studies have demonstrated that this alteration results in abnormal splicing in the set of samples tested (Ambry internal data). Based on the majority of available evidence to date, this variant is likely to be pathogenic.

GeneDx
Classification: Likely pathogenic. Last evaluated: 2020-11-30. Review status: criteria provided, single submitter. Criteria: GeneDx Variant Classification Process June 2021. Collection method: clinical testing. Allele origin: germline. Affected: yes.
Comment: Not observed in large population cohorts (Lek 2016); In silico analysis supports that this missense variant has a deleterious effect on protein structure/function; Has not been previously published as pathogenic or benign to our knowledge

Literature cited by the submitters: PubMed 24789688 (cited by Labcorp Genetics (formerly Invitae), Labcorp); PubMed 26056819 (cited by Labcorp Genetics (formerly Invitae), Labcorp).

NM_001042492.3(NF1):c.3212C>T (p.Ala1071Val)

Gene: NF1 (neurofibromin 1; plus strand). Cytogenetic location: 17q11.2.
Variant type: single nucleotide variant.
Coding change: c.3212C>T on transcript NM_001042492.3 (MANE Select); coding-DNA position 3212, C replaced by T.
Protein change: p.Ala1071Val; replaces alanine 1071 with valine.
Molecular consequence: missense variant.
Genome position (GRCh38, 1-based): chr17:31,232,087, C>T. VCF-style: chr17-31232087-C-T. GRCh37 (hg19) VCF-style: chr17-29559105-C-T.
Other names: c.3212C>T, p.Ala1071Val (NM_000267.4); short protein forms A1071V.
Identifiers: ClinVar variation 1216904 (VCV001216904.7), dbSNP rs2151433685, ClinGen allele CA398988613.
Genomic context (GRCh38, chr17:31,232,087, plus strand): 5'-GATTCATGGTCTCTAAATTTTTTTTTTTTTTTTTTTTTTTTTTCAGAGATTTGGACCAGG[C>T]AAGCATGGAAGCAGTAGTTTCACTTCTAGCTGGTCTCCCTCTGCAGCCTGAAGAAGGAGA-3'
Protein context (NP_001035957.1, residues 1061-1081): VKCLTRDLDQ[Ala1071Val]SMEAVVSLLA